The following is an entry in ClinVar:

ClinVar aggregate classification (germline): Uncertain significance (1 of 4 stars; one submission).

Conditions:
Carnitine acylcarnitine translocase deficiency (CACTD). Identifiers: Orphanet 159, MedGen C0342791, MONDO:0008918, OMIM 212138.

gnomAD v4.1: 13 of 1,613,896 alleles (0.00081%); highest among the groups gnomAD compares: Non-Finnish European, 0.0011%; no homozygotes.

Submission:

Labcorp Genetics (formerly Invitae), Labcorp
Classification: Uncertain significance for Carnitine acylcarnitine translocase deficiency. Last evaluated: 2022-07-23. Review status: criteria provided, single submitter. Criteria: Invitae Variant Classification Sherloc (09022015). Collection method: clinical testing. Allele origin: germline.
Comment: This sequence change replaces proline, which is neutral and non-polar, with alanine, which is neutral and non-polar, at codon 299 of the SLC25A20 protein (p.Pro299Ala). This variant is not present in population databases (gnomAD no frequency). This variant has not been reported in the literature in individuals affected with SLC25A20-related conditions. Algorithms developed to predict the effect of missense changes on protein structure and function are either unavailable or do not agree on the potential impact of this missense change (SIFT: "Deleterious"; PolyPhen-2: "Benign"; Align-GVGD: "Class C0"). In summary, the available evidence is currently insufficient to determine the role of this variant in disease. Therefore, it has been classified as a Variant of Uncertain Significance.

NM_000387.6(SLC25A20):c.895C>G (p.Pro299Ala)

Gene: SLC25A20 (solute carrier family 25 member 20; minus strand). Cytogenetic location: 3p21.31.
Variant type: single nucleotide variant.
Coding change: c.895C>G on transcript NM_000387.6 (MANE Select); coding-DNA position 895, C replaced by G.
Protein change: p.Pro299Ala; replaces proline 299 with alanine.
Molecular consequence: missense variant.
Genome position (GRCh38, 1-based): chr3:48,857,721, G>C on the plus strand (C>G on the coding strand, the complement: SLC25A20 is on the minus strand). VCF-style: chr3-48857721-G-C. GRCh37 (hg19) VCF-style: chr3-48895154-G-C.
Other names: short protein forms P299A.
Identifiers: ClinVar variation 2147495 (VCV002147495.1), dbSNP rs2083590608, ClinGen allele CA352625672.